The following is an entry in ClinVar:

ClinVar aggregate classification (germline): Conflicting classifications of pathogenicity. Review status: criteria provided, conflicting classifications (1 of 4 stars). 4 submissions from 4 submitters: Uncertain significance (1); Likely benign (3). Last evaluated 2025-03-27.

Conditions:
Epidermolysis bullosa simplex 5B, with muscular dystrophy (EBS5B). Also called: Epidermolysis bullosa simplex with muscular dystrophy; EPIDERMOLYSIS BULLOSA SIMPLEX AND LIMB-GIRDLE MUSCULAR DYSTROPHY. Identifiers: Orphanet 257, MedGen C2931072, MONDO:0009181, OMIM 226670.
Epidermolysis bullosa simplex with nail dystrophy (EBS5D). Identifiers: MedGen C4225309, MONDO:0014661, OMIM 616487.
Autosomal recessive limb-girdle muscular dystrophy type 2Q (LGMDR17). Also called: MUSCULAR DYSTROPHY, LIMB-GIRDLE, AUTOSOMAL RECESSIVE 17. Identifiers: Orphanet 254361, MedGen C3150989, MONDO:0013390, OMIM 613723.
Epidermolysis bullosa simplex 5C, with pyloric atresia (EBS5C). Also called: PLEC-Related Epidermolysis Bullosa with Pyloric Atresia; Epidermolysis bullosa simplex with pyloric atresia; PLEC1-Related Epidermolysis Bullosa with Pyloric Atresia. Identifiers: Orphanet 158684, MedGen C2677349, MONDO:0012807, OMIM 612138.
Epidermolysis bullosa simplex, Ogna type (EBS5A). Also called: Pidermolysis bullosa simplex 5A, Ogna type; EPIDERMOLYSIS BULLOSA SIMPLEX 5A, OGNA TYPE. Identifiers: Orphanet 79401, MedGen C0432317, MONDO:0007555, OMIM 131950.
PLEC-related disorder. Also called: PLEC-related disorders; PLEC-related condition.

Allele frequency attached by ClinVar (database versions not stated): gnomAD exomes 0.00001; ExAC 0.00002; gnomAD 0.00007; TOPMed 0.00008.
gnomAD v4.1: 66 of 1,597,490 alleles (0.0041%); highest among the groups gnomAD compares: African/African-American, 0.011%; no homozygotes.

Submissions (4):

Labcorp Genetics (formerly Invitae), Labcorp
Classification: Likely benign for Autosomal recessive limb-girdle muscular dystrophy type 2Q; Epidermolysis bullosa simplex, Ogna type; Epidermolysis bullosa simplex with nail dystrophy; Epidermolysis bullosa simplex 5C, with pyloric atresia; Epidermolysis bullosa simplex 5B, with muscular dystrophy. Last evaluated: 2025-03-27. Review status: criteria provided, single submitter. Criteria: Invitae Variant Classification Sherloc (09022015). Collection method: clinical testing. Allele origin: germline.

Blueprint Genetics
Classification: Likely benign. Last evaluated: 2024-11-20. Review status: criteria provided, single submitter. Criteria: ACMG Guidelines, 2015. Collection method: clinical testing. Allele origin: germline.

PreventionGenetics, part of Exact Sciences
Classification: Likely benign for PLEC-related condition. Last evaluated: 2024-11-19. Review status: criteria provided, single submitter. Criteria: ACMG Guidelines, 2015. Collection method: clinical testing. Allele origin: germline.
Comment: This variant is classified as likely benign based on ACMG/AMP sequence variant interpretation guidelines (Richards et al. 2015 PMID: 25741868, with internal and published modifications).

Revvity Omics, Revvity
Classification: Uncertain significance. Last evaluated: 2019-12-05. Review status: criteria provided, single submitter. Criteria: ACMG Guidelines, 2015. Collection method: clinical testing. Allele origin: germline.

NM_201384.3(PLEC):c.2262C>T (p.Ser754=)

Gene: PLEC (plectin; minus strand). Cytogenetic location: 8q24.3.
Variant type: single nucleotide variant.
Coding change: c.2262C>T on transcript NM_201384.3 (MANE Select); coding-DNA position 2262, C replaced by T.
Protein change: p.Ser754=; no amino-acid change (serine 754 retained).
Molecular consequence: synonymous variant.
Genome position (GRCh38, 1-based): chr8:143,931,576, G>A on the plus strand (C>T on the coding strand, the complement: PLEC is on the minus strand). VCF-style: chr8-143931576-G-A. GRCh37 (hg19) VCF-style: chr8-145005744-G-A.
Other names: c.2343C>T (NM_000445.3); c.2343C>T, p.Ser781= (NM_000445.5); c.2220C>T, p.Ser740= (NM_201378.4); c.2196C>T, p.Ser732= (NM_201379.3); c.2673C>T, p.Ser891= (NM_201380.4); c.2166C>T, p.Ser722= (NM_201381.3); c.2262C>T, p.Ser754= (NM_201382.4); c.2274C>T, p.Ser758= (NM_201383.3).
Identifiers: ClinVar variation 779213 (VCV000779213.14), dbSNP rs782261639, ClinGen allele CA4927600.
Genomic context (GRCh38, chr8:143,931,576, plus strand): 5'-GCACACCCCCTCCCTCACCTGGGCATCCTGCAGCAGGTCCTCCAGCCGGGTGACGGTGGC[G>A]GAGCGATCACAACTGTATTTCCTACGCAGTGCCTCCTGCAGCTTCTGCAACTGCCCCTCG-3'
Protein context (NP_958786.1, residues 744-764): ALRRKYSCDR[Ser754=]ATVTRLEDLL